The following is an entry in ClinVar:

ClinVar aggregate classification (germline): Uncertain significance (1 of 4 stars; one submission).

Allele frequency attached by ClinVar (database versions not stated): gnomAD exomes below 0.00001; ExAC 0.00001.
gnomAD v4.1: 3 of 1,613,978 alleles (0.00019%); highest among the groups gnomAD compares: Non-Finnish European, 0.00025%; no homozygotes.

Submission:

Labcorp Genetics (formerly Invitae), Labcorp
Classification: Uncertain significance. Last evaluated: 2023-01-28. Review status: criteria provided, single submitter. Criteria: Invitae Variant Classification Sherloc (09022015). Collection method: clinical testing. Allele origin: germline.
Comment: In summary, the available evidence is currently insufficient to determine the role of this variant in disease. Therefore, it has been classified as a Variant of Uncertain Significance. Advanced modeling of protein sequence and biophysical properties (such as structural, functional, and spatial information, amino acid conservation, physicochemical variation, residue mobility, and thermodynamic stability) performed at Invitae indicates that this missense variant is not expected to disrupt ASXL2 protein function. This variant has not been reported in the literature in individuals affected with ASXL2-related conditions. This variant is present in population databases (rs770796389, gnomAD 0.0009%). This sequence change replaces glycine, which is neutral and non-polar, with aspartic acid, which is acidic and polar, at codon 451 of the ASXL2 protein (p.Gly451Asp).

NM_018263.6(ASXL2):c.1352G>A (p.Gly451Asp)

Gene: ASXL2 (ASXL transcriptional regulator 2; minus strand). Cytogenetic location: 2p23.3.
Variant type: single nucleotide variant.
Coding change: c.1352G>A on transcript NM_018263.6 (MANE Select); coding-DNA position 1352, G replaced by A.
Protein change: p.Gly451Asp; replaces glycine 451 with aspartic acid.
Molecular consequence: missense variant.
Genome position (GRCh38, 1-based): chr2:25,750,204, C>T on the plus strand (G>A on the coding strand, the complement: ASXL2 is on the minus strand). VCF-style: chr2-25750204-C-T. GRCh37 (hg19) VCF-style: chr2-25973073-C-T.
Other names: c.1178G>A, p.Gly393Asp (NM_001369346.1); c.572G>A, p.Gly191Asp (NM_001369347.1); short protein forms G191D, G393D, G451D.
Identifiers: ClinVar variation 2957026 (VCV002957026.3), dbSNP rs770796389, ClinGen allele CA1557841.